The following is an entry in ClinVar:

ClinVar aggregate classification (germline): Uncertain significance (1 of 4 stars; one submission).

Submission:

Labcorp Genetics (formerly Invitae), Labcorp
Classification: Uncertain significance. Last evaluated: 2022-08-13. Review status: criteria provided, single submitter. Criteria: Invitae Variant Classification Sherloc (09022015). Collection method: clinical testing. Allele origin: germline.
Comment: This sequence change replaces glycine, which is neutral and non-polar, with glutamic acid, which is acidic and polar, at codon 273 of the NTRK2 protein (p.Gly273Glu). This variant is not present in population databases (gnomAD no frequency). This variant has not been reported in the literature in individuals affected with NTRK2-related conditions. Algorithms developed to predict the effect of missense changes on protein structure and function are either unavailable or do not agree on the potential impact of this missense change (SIFT: "Deleterious"; PolyPhen-2: "Probably Damaging"; Align-GVGD: "Class C0"). In summary, the available evidence is currently insufficient to determine the role of this variant in disease. Therefore, it has been classified as a Variant of Uncertain Significance.

NM_006180.6(NTRK2):c.818G>A (p.Gly273Glu)

Gene: NTRK2 (neurotrophic receptor tyrosine kinase 2; plus strand). Cytogenetic location: 9q21.33.
Variant type: single nucleotide variant.
Coding change: c.818G>A on transcript NM_006180.6 (MANE Select); coding-DNA position 818, G replaced by A.
Protein change: p.Gly273Glu; replaces glycine 273 with glutamic acid.
Molecular consequence: missense variant.
Genome position (GRCh38, 1-based): chr9:84,724,321, G>A. VCF-style: chr9-84724321-G-A. GRCh37 (hg19) VCF-style: chr9-87339236-G-A.
Other names: c.818G>A, p.Gly273Glu (NM_001007097.3, NM_001018064.3, NM_001018065.2 and 19 more transcripts); c.350G>A, p.Gly117Glu (NM_001369535.1, NM_001369536.1, NM_001369550.1 and 2 more transcripts); short protein forms G117E, G273E.
Identifiers: ClinVar variation 2009449 (VCV002009449.4), dbSNP rs2132033290, ClinGen allele CA374007624.